The following is an entry in ClinVar:

ClinVar aggregate classification (germline): Conflicting classifications of pathogenicity. Review status: criteria provided, conflicting classifications (1 of 4 stars). 2 submissions from 2 submitters: Likely pathogenic (1); Uncertain significance (1). Last evaluated 2025-12-31.

Conditions:
Dilated cardiomyopathy 1G (CMD1G). Identifiers: Orphanet 154, MedGen C1858763, MONDO:0011400, OMIM 604145.
Autosomal recessive limb-girdle muscular dystrophy type 2J (LGMDR10). Also called: Limb-girdle muscular dystrophy, type 2J; MUSCULAR DYSTROPHY, LIMB-GIRDLE, AUTOSOMAL RECESSIVE 10. Identifiers: Orphanet 140922, MedGen C1837342, MONDO:0012127, OMIM 608807.
Cardiovascular phenotype. Identifiers: MedGen CN230736.

Submissions (2):

Ambry Genetics
Classification: Uncertain significance for Cardiovascular phenotype. Last evaluated: 2025-12-31. Review status: criteria provided, single submitter. Criteria: Ambry Variant Classification Scheme 2023. Collection method: clinical testing. Allele origin: germline.
Comment: The c.80582delC variant, located in coding exon 190 of the TTN gene, results from a deletion of one nucleotide at nucleotide position 80582, causing a translational frameshift with a predicted alternate stop codon (p.P26861Qfs*3). This exon is located in the M-band region of the N2-B isoform of the titin protein and is constitutively expressed in TTN transcripts (percent spliced in or PSI 100%). This variant occurs at the 3' terminus of the TTN gene, is not expected to trigger nonsense-mediated mRNAdecay, and only impacts the last 66 amino acids of the protein. The exact functional effect of this alteration is unknown. Based on the available evidence, the clinical significance of this variant remains unclear.

Labcorp Genetics (formerly Invitae), Labcorp
Classification: Likely pathogenic for Dilated cardiomyopathy 1G; Autosomal recessive limb-girdle muscular dystrophy type 2J. Last evaluated: 2025-11-12. Review status: criteria provided, single submitter. Criteria: Invitae Variant Classification Sherloc (09022015). Collection method: clinical testing. Allele origin: germline.
Comment: This sequence change creates a premature translational stop signal (p.Pro35926Glnfs*3) in the TTN gene. While this is not anticipated to result in nonsense mediated decay, it is expected to create a truncated TTN protein. This variant is not present in population databases (gnomAD no frequency). This variant has not been reported in the literature in individuals affected with TTN-related conditions. This variant is located in the M band of TTN (PMID: 25589632). Truncating variants in this region have been previously reported in individuals affected with autosomal dominant or autosomal recessive myopathy and muscular dystrophy (PMID: 18948003, 23975875, 24395473). Truncating variants in this region have also been identified in individuals affected with autosomal dominant dilated cardiomyopathy and/or cardio-related conditions (PMID: 27869827, 32964742, internal data). In summary, the currently available evidence indicates that the variant is pathogenic, but additional data are needed to prove that conclusively. Therefore, this variant has been classified as Likely Pathogenic.

Literature cited by the submitters: PubMed 25589632 (cited by Labcorp Genetics (formerly Invitae), Labcorp); PubMed 18948003 (cited by Labcorp Genetics (formerly Invitae), Labcorp); PubMed 23975875 (cited by Labcorp Genetics (formerly Invitae), Labcorp); PubMed 24395473 (cited by Labcorp Genetics (formerly Invitae), Labcorp); PubMed 27869827 (cited by Labcorp Genetics (formerly Invitae), Labcorp); PubMed 32964742 (cited by Labcorp Genetics (formerly Invitae), Labcorp).

NM_001267550.2(TTN):c.107777del (p.Pro35926fs)

Genes: TTN (titin; minus strand), TTN-AS1 (TTN antisense RNA 1; plus strand). Cytogenetic location: 2q31.2.
Variant type: Deletion.
Coding change: c.107777del on transcript NM_001267550.2 (MANE Select); coding-DNA position 107777, one base deleted (C; older notation c.107777delC).
Protein change: p.Pro35926fs; shifts the reading frame from proline 35926.
Molecular consequence: frameshift variant.
Genome position (GRCh38, 1-based): chr2:178,527,211, G deleted on the plus strand (C on the coding strand, the reverse complement: TTN is on the minus strand); the first of 4 consecutive G bases (chr2:178,527,211-178,527,214); deleting any one gives the same sequence. VCF-style (leftmost placement, unchanged base first): chr2-178527210-TG-T. GRCh37 (hg19) VCF-style: chr2-179391937-TG-T.
Other names: c.80582delC (NM_003319.4); c.102854del, p.Pro34285fs (NM_001256850.1); c.80582del, p.Pro26861fs (NM_003319.4); c.100073del, p.Pro33358fs (NM_133378.4); c.80957del, p.Pro26986fs (NM_133432.3); c.81158del, p.Pro27053fs (NM_133437.4); short protein forms P33358fs, P26986fs, P27053fs, P34285fs, P26861fs, P35926fs.
Identifiers: ClinVar variation 4789964 (VCV004789964.2).